The following is an entry in ClinVar:

NM_004974.4(KCNA2):c.38C>T (p.Ala13Val)

Gene: KCNA2 (potassium voltage-gated channel subfamily A member 2; minus strand). Cytogenetic location: 1p13.3.
Variant type: single nucleotide variant.
Coding change: c.38C>T on transcript NM_004974.4 (MANE Select); coding-DNA position 38, C replaced by T.
Protein change: p.Ala13Val; replaces alanine 13 with valine.
Molecular consequence: missense variant.
Genome position (GRCh38, 1-based): chr1:110,604,745, G>A on the plus strand (C>T on the coding strand, the complement: KCNA2 is on the minus strand). VCF-style: chr1-110604745-G-A. GRCh37 (hg19) VCF-style: chr1-111147367-G-A.
Other names: c.38C>T, p.Ala13Val (NM_001204269.2); short protein forms A13V.
Identifiers: ClinVar variation 2839187 (VCV002839187.3), dbSNP rs2524623909, ClinGen allele CA341607340.

ClinVar aggregate classification (germline): Uncertain significance (1 of 4 stars; one submission).

Conditions:
Developmental and epileptic encephalopathy, 32 (DEE32). Also called: Epileptic encephalopathy, early infantile, 32. Identifiers: Orphanet 442835, MedGen C4225350, MONDO:0014607, OMIM 616366.

Allele frequency attached by ClinVar (database versions not stated): gnomAD exomes below 0.00001.

Submission:

Labcorp Genetics (formerly Invitae), Labcorp
Classification: Uncertain significance for Developmental and epileptic encephalopathy, 32. Last evaluated: 2023-02-24. Review status: criteria provided, single submitter. Criteria: Invitae Variant Classification Sherloc (09022015). Collection method: clinical testing. Allele origin: germline.
Comment: In summary, the available evidence is currently insufficient to determine the role of this variant in disease. Therefore, it has been classified as a Variant of Uncertain Significance. Advanced modeling of protein sequence and biophysical properties (such as structural, functional, and spatial information, amino acid conservation, physicochemical variation, residue mobility, and thermodynamic stability) performed at Invitae indicates that this missense variant is not expected to disrupt KCNA2 protein function. This variant has not been reported in the literature in individuals affected with KCNA2-related conditions. This variant is not present in population databases (gnomAD no frequency). This sequence change replaces alanine, which is neutral and non-polar, with valine, which is neutral and non-polar, at codon 13 of the KCNA2 protein (p.Ala13Val).